The following is an entry in ClinVar:

NM_003036.4(SKI):c.1033G>C (p.Ala345Pro)

Gene: SKI (SKI proto-oncogene; plus strand). Cytogenetic location: 1p36.32.
Variant type: single nucleotide variant.
Coding change: c.1033G>C on transcript NM_003036.4 (MANE Select); coding-DNA position 1033, G replaced by C.
Protein change: p.Ala345Pro; replaces alanine 345 with proline.
Molecular consequence: missense variant.
Genome position (GRCh38, 1-based): chr1:2,303,041, G>C. VCF-style: chr1-2303041-G-C. GRCh37 (hg19) VCF-style: chr1-2234480-G-C.
Other names: short protein forms A345P.
Identifiers: ClinVar variation 4165725 (VCV004165725.1).

ClinVar aggregate classification (germline): Uncertain significance (1 of 4 stars; one submission).

Conditions:
Familial thoracic aortic aneurysm and aortic dissection (TAAD). Also called: Thoracic aortic aneurysms and dissections. Identifiers: Orphanet 91387, MedGen C4707243, MONDO:0019625.

gnomAD v4.1: 2 of 1,613,686 alleles (0.00012%); highest among the groups gnomAD compares: African/African-American, 0.0013%; no homozygotes.

Submission:

Ambry Genetics
Classification: Uncertain significance for Familial thoracic aortic aneurysm and aortic dissection. Last evaluated: 2025-09-04. Review status: criteria provided, single submitter. Criteria: Ambry Variant Classification Scheme 2023. Collection method: clinical testing. Allele origin: germline.
Comment: The p.A345P variant (also known as c.1033G>C), located in coding exon 2 of the SKI gene, results from a G to C substitution at nucleotide position 1033. The alanine at codon 345 is replaced by proline, an amino acid with highly similar properties. This amino acid position is conserved. In addition, this alteration is predicted to be tolerated by in silico analysis. Based on the available evidence, the clinical significance of this variant remains unclear.